The following is an entry in ClinVar:

NM_000784.4(CYP27A1):c.1231A>T (p.Ile411Phe)

Gene: CYP27A1 (cytochrome P450 family 27 subfamily A member 1; plus strand). Cytogenetic location: 2q35.
Variant type: single nucleotide variant.
Coding change: c.1231A>T on transcript NM_000784.4 (MANE Select); coding-DNA position 1231, A replaced by T.
Protein change: p.Ile411Phe; replaces isoleucine 411 with phenylalanine.
Molecular consequence: missense variant.
Genome position (GRCh38, 1-based): chr2:218,814,426, A>T. VCF-style: chr2-218814426-A-T. GRCh37 (hg19) VCF-style: chr2-219679149-A-T.
Other names: c.1231A>T (NM_000784.3); short protein forms I411F.
Identifiers: ClinVar variation 1525746 (VCV001525746.8), dbSNP rs1943764288, ClinGen allele CA350593272.
Genomic context (GRCh38, chr2:218,814,426, plus strand): 5'-TCTTTTCCCTGCAGTCTCTACCCTGTGGTCCCCACAAACTCCCGGATCATAGAAAAGGAA[A>T]TTGAAGTTGATGGCTTCCTCTTCCCCAAGAACGTGAGTGGGGCTAGAGAGCCCGATTGCC-3'
Protein context (NP_000775.1, residues 401-421): PTNSRIIEKE[Ile411Phe]EVDGFLFPKN

ClinVar aggregate classification (germline): Uncertain significance. Review status: criteria provided, multiple submitters, no conflicts (2 of 4 stars). 2 submissions from 2 submitters: Uncertain significance (2). Last evaluated 2024-10-27.

Conditions:
Cholestanol storage disease (CTX). Also called: CEREBRAL CHOLESTERINOSIS; Cerebrotendinous Xanthomatosis; CTX: Cerebrotendinous xanthomatosis. Identifiers: Orphanet 909, MedGen C0238052, MONDO:0008948, OMIM 213700.
Cardiovascular phenotype. Identifiers: MedGen CN230736.

gnomAD v4.1: 1 of 1,614,236 alleles (0.000062%); highest among the groups gnomAD compares: Non-Finnish European, 0.000085%; no homozygotes.

Submissions (2):

Ambry Genetics
Classification: Uncertain significance for Cardiovascular phenotype. Last evaluated: 2024-10-27. Review status: criteria provided, single submitter. Criteria: Ambry Variant Classification Scheme 2023. Collection method: clinical testing. Allele origin: germline.
Comment: The p.I411F variant (also known as c.1231A>T), located in coding exon 7 of the CYP27A1 gene, results from an A to T substitution at nucleotide position 1231. The isoleucine at codon 411 is replaced by phenylalanine, an amino acid with highly similar properties. This amino acid position is conserved. In addition, this alteration is predicted to be tolerated by in silico analysis. Based on the available evidence, the clinical significance of this variant remains unclear.

Labcorp Genetics (formerly Invitae), Labcorp
Classification: Uncertain significance for Cholestanol storage disease. Last evaluated: 2023-10-13. Review status: criteria provided, single submitter. Criteria: Invitae Variant Classification Sherloc (09022015). Collection method: clinical testing. Allele origin: germline.
Comment: This sequence change replaces isoleucine, which is neutral and non-polar, with phenylalanine, which is neutral and non-polar, at codon 411 of the CYP27A1 protein (p.Ile411Phe). This variant is not present in population databases (gnomAD no frequency). This variant has not been reported in the literature in individuals affected with CYP27A1-related conditions. ClinVar contains an entry for this variant (Variation ID: 1525746). Advanced modeling of protein sequence and biophysical properties (such as structural, functional, and spatial information, amino acid conservation, physicochemical variation, residue mobility, and thermodynamic stability) performed at Invitae indicates that this missense variant is not expected to disrupt CYP27A1 protein function. In summary, the available evidence is currently insufficient to determine the role of this variant in disease. Therefore, it has been classified as a Variant of Uncertain Significance.